The following is an entry in ClinVar:

ClinVar aggregate classification (germline): Likely benign. Review status: criteria provided, single submitter (1 of 4 stars). 2 submissions from 2 submitters: Likely benign (1). 1 of the submissions does not count toward it. Last evaluated 2020-05-12.

Conditions:
DNMT3A-related disorder. Also called: DNMT3A-related disorders; DNMT3A-related condition.

Allele frequency attached by ClinVar (database versions not stated): gnomAD exomes below 0.00001; ExAC 0.00002; gnomAD 0.00002; TOPMed 0.00002.
gnomAD v4.1: 9 of 1,609,938 alleles (0.00056%); highest among the groups gnomAD compares: East Asian, 0.016%; no homozygotes.

Submissions (2):

Blueprint Genetics
Classification: Likely benign. Last evaluated: 2020-05-12. Review status: criteria provided, single submitter. Criteria: ACMG Guidelines, 2015. Collection method: clinical testing. Allele origin: germline.

PreventionGenetics, part of Exact Sciences
Classification: Likely benign for DNMT3A-related condition. Last evaluated: 2022-02-24. Review status: no assertion criteria provided. Collection method: clinical testing. Allele origin: germline. Not counted in ClinVar's aggregate classification.
Comment: This variant is classified as likely benign based on ACMG/AMP sequence variant interpretation guidelines (Richards et al. 2015 PMID: 25741868, with internal and published modifications).

NM_022552.5(DNMT3A):c.2479-7C>A

Gene: DNMT3A (DNA methyltransferase 3 alpha; minus strand). Cytogenetic location: 2p23.3.
Variant type: single nucleotide variant.
Coding change: c.2479-7C>A on transcript NM_022552.5 (MANE Select); 7 bases into the intron before coding-DNA position 2479, C replaced by A.
Molecular consequence: intron variant.
Genome position (GRCh38, 1-based): chr2:25,235,832, G>T on the plus strand (C>A on the coding strand, the complement: DNMT3A is on the minus strand). VCF-style: chr2-25235832-G-T. GRCh37 (hg19) VCF-style: chr2-25458701-G-T.
Other names: c.2479-7C>A (NM_175629.2); c.1912-7C>A (NM_153759.3); c.2023-7C>A (NM_001320893.1); c.1810-7C>A (NM_001375819.1).
Identifiers: ClinVar variation 3031588 (VCV003031588.3), dbSNP rs776966073, ClinGen allele CA1555552.
Genomic context (GRCh38, chr2:25,235,832, plus strand): 5'-TTTGCCCTGCTTTATGGAGTTTGACCTCGTAGTAATGGTCCTCACTTTGCTGAACTAGAT[G>T]AAGAGGAGAAAAGAGGAATAAGCACGAATTCATTCACCAGCCAACACTGGTCATGCGTCT-3'